The following is an entry in ClinVar:

ClinVar aggregate classification (germline): Uncertain significance. Review status: criteria provided, single submitter (1 of 4 stars). 2 submissions from 2 submitters: Uncertain significance (1). 1 of the submissions does not count toward it. Last evaluated 2025-07-15.

Conditions:
FASLG-related disorder. Also called: FASLG-related condition.
Autoimmune lymphoproliferative syndrome type 1. Also called: AUTOIMMUNE LYMPHOPROLIFERATIVE SYNDROME, TYPE I, AUTOSOMAL DOMINANT. Identifiers: Orphanet 3261, MedGen C2717884, MONDO:0011158, OMIM 601859.

Submissions (2):

Labcorp Genetics (formerly Invitae), Labcorp
Classification: Uncertain significance for Autoimmune lymphoproliferative syndrome. Last evaluated: 2025-07-15. Review status: criteria provided, single submitter. Criteria: Invitae Variant Classification Sherloc (09022015). Collection method: clinical testing. Allele origin: germline.
Comment: This variant, c.141_167del, results in the deletion of 9 amino acid(s) of the FASLG protein (p.Pro57_Pro65del), but otherwise preserves the integrity of the reading frame. This variant is present in population databases (rs755648147, gnomAD 0.0009%). This variant has not been reported in the literature in individuals affected with FASLG-related conditions. ClinVar contains an entry for this variant (Variation ID: 3030472). Experimental studies and prediction algorithms are not available or were not evaluated, and the functional significance of this variant is currently unknown. In summary, the available evidence is currently insufficient to determine the role of this variant in disease. Therefore, it has been classified as a Variant of Uncertain Significance.

PreventionGenetics, part of Exact Sciences
Classification: Uncertain significance for FASLG-related condition. Last evaluated: 2024-01-05. Review status: no assertion criteria provided. Collection method: clinical testing. Allele origin: germline. Not counted in ClinVar's aggregate classification.
Comment: The FASLG c.141_167del27 variant is predicted to result in an in-frame deletion (p.Leu54_Pro62del). To our knowledge, this variant has not been reported in the literature. This variant is reported in 0.0018% of alleles in individuals of European (Non-Finnish) descent in gnomAD. At this time, the clinical significance of this variant is uncertain due to the absence of conclusive functional and genetic evidence.

NM_000639.3(FASLG):c.141_167del (p.48PPPPPPLPP[1])

Gene: FASLG (Fas ligand; plus strand). Cytogenetic location: 1q24.3.
Variant type: Deletion.
Coding change: c.141_167del on transcript NM_000639.3 (MANE Select); coding-DNA positions 141 to 167, 27 bases deleted (ACCACCGCCACCGCCACCACTACCACC).
Protein change: p.48PPPPPPLPP[1].
Genome position (GRCh38, 1-based): chr1:172,659,342-172,659,368, ACCACCGCCACCGCCACCACTACCACC deleted; deleting any 27 consecutive bases within chr1:172,659,336-172,659,368 gives the same sequence; the c. name uses the placement nearest the transcript's 3' end. VCF-style (leftmost placement, unchanged base first): chr1-172659335-CACCACCACCACCGCCACCGCCACCACT-C. GRCh37 (hg19) VCF-style: chr1-172628475-CACCACCACCACCGCCACCGCCACCACT-C.
Other names: c.141_167del, p.48PPPPPPLPP[1] (NM_001302746.2).
Identifiers: ClinVar variation 3030472 (VCV003030472.3), dbSNP rs755648147, ClinGen allele CA1247449.
Genomic context (GRCh38, chr1:172,659,335, plus strand): 5'-CTCCAGGCACAGTTCTTCCCTGTCCAACCTCTGTGCCCAGAAGGCCTGGTCAAAGGAGGC[CACCACCACCACCGCCACCGCCACCACT>C]ACCACCTCCGCCGCCGCCGCCACCACTGCCTCCACTACCGCTGCCACCCCTGAAGAAGAG-3'